The following is an entry in ClinVar:

ClinVar aggregate classification (germline): Uncertain significance. Review status: criteria provided, multiple submitters, no conflicts (2 of 4 stars). 3 submissions from 3 submitters: Uncertain significance (3). Last evaluated 2026-04-05.

Conditions:
Hypertrophic cardiomyopathy 9. Also called: Familial hypertrophic cardiomyopathy 9. Identifiers: MedGen C1861065, MONDO:0013412, OMIM 613765.
Early-onset myopathy with fatal cardiomyopathy (CMYO5). Also called: Salih Myopathy; CONGENITAL MYOPATHY 5 WITH CARDIOMYOPATHY. Identifiers: Orphanet 289377, MedGen C2673677, MONDO:0012714, OMIM 611705. Disease mechanism: loss of function.
Autosomal recessive limb-girdle muscular dystrophy type 2J (LGMDR10). Also called: Limb-girdle muscular dystrophy, type 2J; MUSCULAR DYSTROPHY, LIMB-GIRDLE, AUTOSOMAL RECESSIVE 10. Identifiers: Orphanet 140922, MedGen C1837342, MONDO:0012127, OMIM 608807.
Tibial muscular dystrophy (TMD). Also called: Tibial muscular dystrophy, tardive; Udd Distal Myopathy – Tibial Muscular Dystrophy; UDD MYOPATHY. Identifiers: Orphanet 609, MedGen C1838244, MONDO:0010870, OMIM 600334.
Myopathy, myofibrillar, 9, with early respiratory failure (MFM9). Also called: Hereditary myopathy with early respiratory failure; Myopathy, distal, with early respiratory failure, autosomal dominant; EDSTROM MYOPATHY; MYOPATHY, PROXIMAL, WITH EARLY RESPIRATORY MUSCLE INVOLVEMENT. Identifiers: Orphanet 178464, Orphanet 34521, MedGen C1863599, MONDO:0011362, OMIM 603689.
Dilated cardiomyopathy 1G (CMD1G). Identifiers: Orphanet 154, MedGen C1858763, MONDO:0011400, OMIM 604145.
TTN-related disorder. Also called: TTN-related disorders; TTN-related condition; TTN-related disease.

Submissions (3):

PreventionGenetics, part of Exact Sciences
Classification: Uncertain significance for TTN-related condition. Last evaluated: 2026-04-05. Review status: criteria provided, single submitter. Criteria: ACMG Guidelines, 2015. Collection method: clinical testing. Allele origin: germline.
Comment: The TTN c.96506T>C variant is predicted to result in the amino acid substitution p.Leu32169Pro. To our knowledge, this variant has not been reported in the literature or in a large population database (gnomAD), indicating this variant is rare. At this time, the clinical significance of this variant is uncertain due to the absence of conclusive functional and genetic evidence.

Labcorp Genetics (formerly Invitae), Labcorp
Classification: Uncertain significance for Dilated cardiomyopathy 1G; Autosomal recessive limb-girdle muscular dystrophy type 2J. Last evaluated: 2022-06-20. Review status: criteria provided, single submitter. Criteria: Invitae Variant Classification Sherloc (09022015). Collection method: clinical testing. Allele origin: germline.
Comment: This sequence change replaces leucine, which is neutral and non-polar, with proline, which is neutral and non-polar, at codon 32169 of the TTN protein (p.Leu32169Pro). This variant is not present in population databases (gnomAD no frequency). This missense change has been observed in individual(s) with clinical features of TTN-related neuromuscular conditions (Invitae). Experimental studies and prediction algorithms are not available or were not evaluated, and the functional significance of this variant is currently unknown. This variant is located in the A band of TTN (PMID: 25589632). Variants in this region may be relevant for cardiac or neuromuscular disorders (PMID: 25589632, 23975875). In summary, the available evidence is currently insufficient to determine the role of this variant in disease. Therefore, it has been classified as a Variant of Uncertain Significance.

Fulgent Genetics
Classification: Uncertain significance for Tibial muscular dystrophy; Myopathy, myofibrillar, 9, with early respiratory failure; Dilated cardiomyopathy 1G; Autosomal recessive limb-girdle muscular dystrophy type 2J; Early-onset myopathy with fatal cardiomyopathy; Hypertrophic cardiomyopathy 9. Last evaluated: 2021-11-11. Review status: criteria provided, single submitter. Criteria: ACMG Guidelines, 2015. Collection method: clinical testing. Allele origin: unknown.

Literature cited by the submitters: PubMed 25589632 (cited by Labcorp Genetics (formerly Invitae), Labcorp); PubMed 23975875 (cited by Labcorp Genetics (formerly Invitae), Labcorp).

NM_001267550.2(TTN):c.96506T>C (p.Leu32169Pro)

Genes: TTN (titin; minus strand), TTN-AS1 (TTN antisense RNA 1; plus strand), LOC126806421 (CDK7 strongly-dependent group 2 enhancer GRCh37_chr2:179407630-179408829; plus strand). Cytogenetic location: 2q31.2.
Variant type: single nucleotide variant.
Coding change: c.96506T>C on transcript NM_001267550.2 (MANE Select); coding-DNA position 96506, T replaced by C.
Protein change: p.Leu32169Pro; replaces leucine 32169 with proline.
Molecular consequence: missense variant.
Genome position (GRCh38, 1-based): chr2:178,543,467, A>G on the plus strand (T>C on the coding strand, the complement: TTN is on the minus strand). VCF-style: chr2-178543467-A-G. GRCh37 (hg19) VCF-style: chr2-179408194-A-G.
Other names: c.91583T>C, p.Leu30528Pro (NM_001256850.1); c.69311T>C, p.Leu23104Pro (NM_003319.4); c.88802T>C, p.Leu29601Pro (NM_133378.4); c.69686T>C, p.Leu23229Pro (NM_133432.3); c.69887T>C, p.Leu23296Pro (NM_133437.4); short protein forms L23104P, L29601P, L30528P, L23229P, L23296P, L32169P.
Identifiers: ClinVar variation 1460556 (VCV001460556.7), dbSNP rs2154143527, ClinGen allele CA349447885.
Genomic context (GRCh38, chr2:178,543,467, plus strand): 5'-TCTCCAATGCCATAAATATTTTCTGGCAGCACTCTGAAATAGTACATGGTTCCTTCTACA[A>G]GTCCAGAAATTCTGTAAAGTGTCTTGCTGCATTTGGTAGTTACTGTTTTGAATGCTCTCA-3'
Protein context (NP_001254479.2, residues 32159-32179): CSKTLYRISG[Leu32169Pro]VEGTMYYFRV